The following is an entry in ClinVar:

ClinVar aggregate classification (germline): Uncertain significance (1 of 4 stars; one submission).

gnomAD v4.1: 2 of 1,608,896 alleles (0.00012%); highest among the groups gnomAD compares: East Asian, 0.0022%; no homozygotes.

Submission:

Labcorp Genetics (formerly Invitae), Labcorp
Classification: Uncertain significance. Last evaluated: 2022-09-12. Review status: criteria provided, single submitter. Criteria: Invitae Variant Classification Sherloc (09022015). Collection method: clinical testing. Allele origin: germline.
Comment: In summary, the available evidence is currently insufficient to determine the role of this variant in disease. Therefore, it has been classified as a Variant of Uncertain Significance. Algorithms developed to predict the effect of missense changes on protein structure and function are either unavailable or do not agree on the potential impact of this missense change (SIFT: "Deleterious"; PolyPhen-2: "Possibly Damaging"; Align-GVGD: "Class C15"). This variant has not been reported in the literature in individuals affected with CYP2R1-related conditions. This variant is not present in population databases (gnomAD no frequency). This sequence change replaces tryptophan, which is neutral and slightly polar, with arginine, which is basic and polar, at codon 352 of the CYP2R1 protein (p.Trp352Arg).

NM_024514.5(CYP2R1):c.1054T>A (p.Trp352Arg)

Genes: CYP2R1 (cytochrome P450 family 2 subfamily R member 1; minus strand), PDE3B (phosphodiesterase 3B; plus strand). Cytogenetic location: 11p15.2.
Variant type: single nucleotide variant.
Coding change: c.1054T>A on transcript NM_024514.5 (MANE Select); coding-DNA position 1054, T replaced by A.
Protein change: p.Trp352Arg; replaces tryptophan 352 with arginine.
Molecular consequence: missense variant.
Genome position (GRCh38, 1-based): chr11:14,879,390, A>T on the plus strand (T>A on the coding strand, the complement: CYP2R1 is on the minus strand). VCF-style: chr11-14879390-A-T. GRCh37 (hg19) VCF-style: chr11-14900936-A-T.
Other names: c.709T>A, p.Trp237Arg (NM_001377216.1, NM_001377227.1, NM_001400558.1 and 5 more transcripts); c.892T>A, p.Trp298Arg (NM_001377217.1); c.355T>A, p.Trp119Arg (NM_001400562.1, NM_001400563.1, NM_001400564.1 and 1 more transcripts); c.76T>A, p.Trp26Arg (NM_001400566.1); c.910T>A, p.Trp304Arg (NM_001400567.1); c.1009T>A, p.Trp337Arg (NM_001400568.1); short protein forms W119R, W237R, W26R, W298R, W304R, W337R, W352R.
Identifiers: ClinVar variation 1714746 (VCV001714746.5), dbSNP rs1848285497, ClinGen allele CA379745694.